The following is an entry in ClinVar:

NM_000020.3(ACVRL1):c.*1246T>C

Gene: ACVRL1 (activin A receptor like type 1; plus strand). Cytogenetic location: 12q13.13.
Variant type: single nucleotide variant.
Coding change: c.*1246T>C on transcript NM_000020.3 (MANE Select); 1246 bases downstream of the stop codon, T replaced by C.
Molecular consequence: 3 prime UTR variant.
Genome position (GRCh38, 1-based): chr12:51,922,139, T>C. VCF-style: chr12-51922139-T-C. GRCh37 (hg19) VCF-style: chr12-52315923-T-C.
Other names: c.*1246T>C (NM_001077401.2).
Identifiers: ClinVar variation 309467 (VCV000309467.6), dbSNP rs706819, ClinGen allele CA10642712.

ClinVar aggregate classification (germline): Benign. Review status: criteria provided, multiple submitters, no conflicts (2 of 4 stars). 2 submissions from 2 submitters: Benign (2). Last evaluated 2018-01-12.

Conditions:
Telangiectasia, hereditary hemorrhagic, type 2 (HHT2). Also called: ACVRL1-Related Hereditary Hemorrhagic Telangiectasia; Telangiectasia, hereditary hemorrhagic, type II. Identifiers: Orphanet 774, MedGen C1838163, MONDO:0010880, OMIM 600376. Disease mechanism: loss of function.

Allele frequency attached by ClinVar (database versions not stated): 1000 Genomes Project 30x 0.69472; 1000 Genomes Project 0.69968; TOPMed 0.70196; gnomAD 0.71921 and 0.72031; gnomAD exomes 0.72727.
gnomAD v4.1: 109,479 of 152,140 alleles (72%); highest among the groups gnomAD compares: East Asian, 75%; 39,741 homozygotes.

Submissions (2):

Illumina Laboratory Services, Illumina
Classification: Benign for Telangiectasia, hereditary hemorrhagic, type 2. Last evaluated: 2018-01-12. Review status: criteria provided, single submitter. Criteria: ICSL Variant Classification Criteria 13 December 2019. Collection method: clinical testing. Allele origin: germline.
Comment: This variant was observed in the ICSL laboratory as part of a predisposition screen in an ostensibly healthy population. It had not been previously curated by ICSL or reported in the Human Gene Mutation Database (HGMD: prior to June 1st, 2018), and was therefore a candidate for classification through an automated scoring system. Utilizing variant allele frequency, disease prevalence and penetrance estimates, and inheritance mode, an automated score was calculated to assess if this variant is too frequent to cause the disease. Based on the score and internal cut-off values, a variant classified as benign is not then subjected to further curation. The score for this variant resulted in a classification of benign for this disease.

Breakthrough Genomics
Classification: Benign. Review status: criteria provided, single submitter. Criteria: ACMG Guidelines, 2015. Collection method: not provided. Allele origin: germline. Inheritance: Autosomal dominant inheritance. Affected: yes.